The following is an entry in ClinVar:

NM_004304.5(ALK):c.4025T>A (p.Val1342Asp)

Gene: ALK (ALK receptor tyrosine kinase; minus strand). Cytogenetic location: 2p23.2.
Variant type: single nucleotide variant.
Coding change: c.4025T>A on transcript NM_004304.5 (MANE Select); coding-DNA position 4025, T replaced by A.
Protein change: p.Val1342Asp; replaces valine 1342 with aspartic acid.
Molecular consequence: missense variant.
Genome position (GRCh38, 1-based): chr2:29,197,590, A>T on the plus strand (T>A on the coding strand, the complement: ALK is on the minus strand). VCF-style: chr2-29197590-A-T. GRCh37 (hg19) VCF-style: chr2-29420456-A-T.
Other names: c.821T>A, p.Val274Asp (NM_001353765.2); short protein forms V1342D, V274D.
Identifiers: ClinVar variation 2840075 (VCV002840075.3), dbSNP rs2148143378, ClinGen allele CA346466032.

ClinVar aggregate classification (germline): Uncertain significance (1 of 4 stars; one submission).

Conditions:
Neuroblastoma, susceptibility to, 3. Also called: ALK-Related Neuroblastic Tumor Susceptibility. Identifiers: Orphanet 635, MedGen C2751681, MONDO:0013083, OMIM 613014.

Submission:

Labcorp Genetics (formerly Invitae), Labcorp
Classification: Uncertain significance for Neuroblastoma, susceptibility to, 3. Last evaluated: 2025-01-12. Review status: criteria provided, single submitter. Criteria: Invitae Variant Classification Sherloc (09022015). Collection method: clinical testing. Allele origin: germline.
Comment: This sequence change replaces valine, which is neutral and non-polar, with aspartic acid, which is acidic and polar, at codon 1342 of the ALK protein (p.Val1342Asp). This variant is not present in population databases (gnomAD no frequency). This variant has not been reported in the literature in individuals affected with ALK-related conditions. ClinVar contains an entry for this variant (Variation ID: 2840075). An algorithm developed to predict the effect of missense changes on protein structure and function (PolyPhen-2) suggests that this variant is likely to be disruptive. In summary, the available evidence is currently insufficient to determine the role of this variant in disease. Therefore, it has been classified as a Variant of Uncertain Significance.